The following is an entry in ClinVar:

ClinVar aggregate classification (germline): Pathogenic (1 of 4 stars; one submission).

Conditions:
Developmental and epileptic encephalopathy, 12 (DEE12). Identifiers: MedGen C3150988, MONDO:0013389, OMIM 613722.

Allele frequency attached by ClinVar (database versions not stated): gnomAD exomes below 0.00001.

Submission:

Labcorp Genetics (formerly Invitae), Labcorp
Classification: Pathogenic for Developmental and epileptic encephalopathy, 12. Last evaluated: 2023-04-23. Review status: criteria provided, single submitter. Criteria: Invitae Variant Classification Sherloc (09022015). Collection method: clinical testing. Allele origin: germline.
Comment: For these reasons, this variant has been classified as Pathogenic. This variant disrupts a region of the PNKP protein in which other variant(s) (p.Gln517*) have been determined to be pathogenic (PMID: 30039206). This suggests that this is a clinically significant region of the protein, and that variants that disrupt it are likely to be disease-causing. This variant has not been reported in the literature in individuals affected with PNKP-related conditions. This variant is not present in population databases (gnomAD no frequency). This sequence change creates a premature translational stop signal (p.Ser470Leufs*25) in the PNKP gene. While this is not anticipated to result in nonsense mediated decay, it is expected to disrupt the last 52 amino acid(s) of the PNKP protein.

Literature cited by the submitters: PubMed 30039206.

NM_007254.4(PNKP):c.1403_1406dup (p.Ser470fs)

Gene: PNKP (polynucleotide kinase 3'-phosphatase; minus strand). Cytogenetic location: 19q13.33.
Variant type: Duplication.
Coding change: c.1403_1406dup on transcript NM_007254.4 (MANE Select); coding-DNA positions 1403 to 1406, 4 bases duplicated (ACTC; older notation c.1403_1406dupACTC).
Protein change: p.Ser470fs; shifts the reading frame from serine 470.
Molecular consequence: frameshift variant.
Genome position (GRCh38, 1-based): chr19:49,861,491-49,861,494, GAGT duplicated on the plus strand (ACTC on the coding strand, the reverse complement: PNKP is on the minus strand). VCF-style (leftmost placement, unchanged base first): chr19-49861490-G-GGAGT. GRCh37 (hg19) VCF-style: chr19-50364747-G-GGAGT.
Other names: short protein forms S470fs.
Identifiers: ClinVar variation 2732095 (VCV002732095.3), dbSNP rs2514631912, ClinGen allele CA2576857964.